The following is an entry in ClinVar:

NM_000057.4(BLM):c.10G>A (p.Val4Ile)

Gene: BLM (BLM RecQ like helicase; plus strand). Cytogenetic location: 15q26.1.
Variant type: single nucleotide variant.
Coding change: c.10G>A on transcript NM_000057.4 (MANE Select); coding-DNA position 10, G replaced by A.
Protein change: p.Val4Ile; replaces valine 4 with isoleucine.
Molecular consequence: missense variant. On other transcripts: 5 prime UTR variant (1).
Genome position (GRCh38, 1-based): chr15:90,747,402, G>A. VCF-style: chr15-90747402-G-A. GRCh37 (hg19) VCF-style: chr15-91290632-G-A.
Other names: c.10G>A, p.Val4Ile (NM_001287246.2, NM_001287247.2); c.-1282G>A (NM_001287248.2); short protein forms V4I.
Identifiers: ClinVar variation 1051649 (VCV001051649.11), dbSNP rs1466614215, ClinGen allele CA393838770.

ClinVar aggregate classification (germline): Uncertain significance. Review status: criteria provided, single submitter (1 of 4 stars). 2 submissions from 2 submitters: Uncertain significance (1). 1 of the submissions does not count toward it. Last evaluated 2025-12-20.

Conditions:
Bloom syndrome (BLM). Also called: Bloom-Torre-Machacek syndrome. Identifiers: Orphanet 125, MedGen C0005859, MONDO:0008876, OMIM 210900.

Allele frequency attached by ClinVar (database versions not stated): gnomAD exomes below 0.00001.
gnomAD v4.1: 1 of 1,608,886 alleles (0.000062%); highest among the groups gnomAD compares: Non-Finnish European, 0.000085%; no homozygotes.

Submissions (2):

Labcorp Genetics (formerly Invitae), Labcorp
Classification: Uncertain significance for Bloom syndrome. Last evaluated: 2025-12-20. Review status: criteria provided, single submitter. Criteria: Invitae Variant Classification Sherloc (09022015). Collection method: clinical testing. Allele origin: germline.
Comment: This sequence change replaces valine, which is neutral and non-polar, with isoleucine, which is neutral and non-polar, at codon 4 of the BLM protein (p.Val4Ile). The frequency data for this variant in the population databases is considered unreliable, as metrics indicate poor data quality at this position in the gnomAD database. This variant has not been reported in the literature in individuals affected with BLM-related conditions. ClinVar contains an entry for this variant (Variation ID: 1051649). An algorithm developed to predict the effect of missense changes on protein structure and function outputs the following: PolyPhen-2: "Benign". The isoleucine amino acid residue is found in multiple mammalian species, which suggests that this missense change does not adversely affect protein function. In summary, the available evidence is currently insufficient to determine the role of this variant in disease. Therefore, it has been classified as a Variant of Uncertain Significance.

Natera, Inc.
Classification: Uncertain significance for Bloom syndrome. Last evaluated: 2021-01-26. Review status: no assertion criteria provided. Collection method: clinical testing. Allele origin: germline. Not counted in ClinVar's aggregate classification.